The following is an entry in ClinVar:

ClinVar aggregate classification (germline): Benign (1 of 4 stars; one submission).

Conditions:
Pseudohypoaldosteronism type 2E (PHA2E). Also called: Pseudohypoaldosteronism Type IIE. Identifiers: Orphanet 300530, Orphanet 757, MedGen C3469606, MONDO:0013782, OMIM 614496.

Allele frequency attached by ClinVar (database versions not stated): gnomAD exomes 0.00012; 1000 Genomes Project 0.00060; 1000 Genomes Project 30x 0.00062; gnomAD 0.00097 and 0.00108; TOPMed 0.00111.
gnomAD v4.1: 153 of 208,326 alleles (0.073%); highest among the groups gnomAD compares: African/African-American, 0.34%; no homozygotes.

Submission:

Illumina Laboratory Services, Illumina
Classification: Benign for Pseudohypoaldosteronism type 2E. Last evaluated: 2018-01-13. Review status: criteria provided, single submitter. Criteria: ICSL Variant Classification Criteria 13 December 2019. Collection method: clinical testing. Allele origin: germline.
Comment: This variant was observed in the ICSL laboratory as part of a predisposition screen in an ostensibly healthy population. It had not been previously curated by ICSL or reported in the Human Gene Mutation Database (HGMD: prior to June 1st, 2018), and was therefore a candidate for classification through an automated scoring system. Utilizing variant allele frequency, disease prevalence and penetrance estimates, and inheritance mode, an automated score was calculated to assess if this variant is too frequent to cause the disease. Based on the score and internal cut-off values, a variant classified as benign is not then subjected to further curation. The score for this variant resulted in a classification of benign for this disease.

NM_003590.5(CUL3):c.*1403A>C

Gene: CUL3 (cullin 3; minus strand). Cytogenetic location: 2q36.2.
Variant type: single nucleotide variant.
Coding change: c.*1403A>C on transcript NM_003590.5 (MANE Select); 1403 bases downstream of the stop codon, A replaced by C.
Molecular consequence: 3 prime UTR variant.
Genome position (GRCh38, 1-based): chr2:224,472,842, T>G on the plus strand (A>C on the coding strand, the complement: CUL3 is on the minus strand). VCF-style: chr2-224472842-T-G. GRCh37 (hg19) VCF-style: chr2-225337559-T-G.
Other names: c.*1403A>C (NM_001257197.2, NM_001257198.2).
Identifiers: ClinVar variation 334616 (VCV000334616.6), dbSNP rs575153722, ClinGen allele CA10612592.
Genomic context (GRCh38, chr2:224,472,842, plus strand): 5'-GAATTCAGTTGTTGTAACTTGACCATAAATTTAAACAGAAACCATCTTCTGAGACATACA[T>G]TCTAATAAATGTATCAACAGTACTGATAGTCAACGAAGGGTCAATTTAAACTTATTAGTA-3'